The following is an entry in ClinVar:

NM_003119.4(SPG7):c.1940C>T (p.Ala647Val)

Gene: SPG7 (SPG7 matrix AAA peptidase subunit, paraplegin; plus strand). Cytogenetic location: 16q24.3.
Variant type: single nucleotide variant.
Coding change: c.1940C>T on transcript NM_003119.4 (MANE Select); coding-DNA position 1940, C replaced by T.
Protein change: p.Ala647Val; replaces alanine 647 with valine.
Molecular consequence: missense variant.
Genome position (GRCh38, 1-based): chr16:89,553,797, C>T. VCF-style: chr16-89553797-C-T. GRCh37 (hg19) VCF-style: chr16-89620205-C-T.
Other names: c.1940C>T, p.Ala647Val (NM_001363850.1); short protein forms A647V.
Identifiers: ClinVar variation 1302193 (VCV001302193.8), dbSNP rs776380988, ClinGen allele CA397433455.
Genomic context (GRCh38, chr16:89,553,797, plus strand): 5'-AGCACTGCTCTGCGCCTGCAGTGCTGAGGATGCCTCTGTCTCGACCCCGCCCTCCAGGGG[C>T]ACAGGACGACCTGAGGAAGGTCACCCGCATCGCCTACTCCATGGTGAAGCAGTTTGGGAT-3'
Protein context (NP_003110.1, residues 637-657): ALSFNEVTSG[Ala647Val]QDDLRKVTRI

ClinVar aggregate classification (germline): Conflicting classifications of pathogenicity. Review status: criteria provided, conflicting classifications (1 of 4 stars). 3 submissions from 3 submitters: Likely pathogenic (1); Uncertain significance (2). Last evaluated 2024-12-30.

Conditions:
Hereditary spastic paraplegia 7 (SPG7). Also called: Spastic paraplegia 7; Hereditary spastic paraplegia Paraplegin type; SPASTIC PARAPLEGIA 7, AUTOSOMAL RECESSIVE, WITH OR WITHOUT CEREBELLAR ATAXIA; Autosomal recessive spastic paraplegia type 7; SPG7-related neurologic disorder. Identifiers: Orphanet 99013, MedGen C1846564, MONDO:0011803, OMIM 607259.
Hereditary spastic paraplegia. Also called: Familial spastic paraparesis. Identifiers: Orphanet 685, MedGen C0037773, MONDO:0019064. Disease mechanism: loss of function.

gnomAD v4.1: 2 of 1,613,436 alleles (0.00012%); highest among the groups gnomAD compares: Non-Finnish European, 0.00017%; no homozygotes.

Submissions (3):

Labcorp Genetics (formerly Invitae), Labcorp
Classification: Uncertain significance for Hereditary spastic paraplegia 7. Last evaluated: 2024-12-30. Review status: criteria provided, single submitter. Criteria: Invitae Variant Classification Sherloc (09022015). Collection method: clinical testing. Allele origin: germline.
Comment: This sequence change replaces alanine, which is neutral and non-polar, with valine, which is neutral and non-polar, at codon 647 of the SPG7 protein (p.Ala647Val). This variant is present in population databases (no rsID available, gnomAD 0.0009%). This variant has not been reported in the literature in individuals affected with SPG7-related conditions. ClinVar contains an entry for this variant (Variation ID: 1302193). Invitae Evidence Modeling of protein sequence and biophysical properties (such as structural, functional, and spatial information, amino acid conservation, physicochemical variation, residue mobility, and thermodynamic stability) indicates that this missense variant is expected to disrupt SPG7 protein function with a positive predictive value of 80%. In summary, the available evidence is currently insufficient to determine the role of this variant in disease. Therefore, it has been classified as a Variant of Uncertain Significance.

GeneDx
Classification: Likely pathogenic. Last evaluated: 2022-02-06. Review status: criteria provided, single submitter. Criteria: GeneDx Variant Classification Process June 2021. Collection method: clinical testing. Allele origin: germline. Affected: yes.
Comment: Has not been previously published as pathogenic or benign to our knowledge; In silico analysis, which includes protein predictors and evolutionary conservation, supports a deleterious effect; Not observed at a significant frequency in large population cohorts (gnomAD); This variant is associated with the following publications: (PMID: 22571692)

Genome Diagnostics Laboratory, The Hospital for Sick Children
Classification: Uncertain significance for Hereditary spastic paraplegia. Last evaluated: 2019-07-12. Review status: criteria provided, single submitter. Criteria: ACMG Guidelines, 2015. Collection method: clinical testing. Allele origin: germline. Affected: yes.